The following is an entry in ClinVar:

ClinVar aggregate classification (germline): Uncertain significance. Review status: criteria provided, multiple submitters, no conflicts (2 of 4 stars). 5 submissions from 5 submitters: Uncertain significance (5). Last evaluated 2026-07-07.

Conditions:
Malignant hyperthermia, susceptibility to, 1 (MHS1). Also called: RYR1-Related Malignant Hyperthermia Susceptibility; Malignant hyperthermia suceptibility 1; Anesthesia related hyperthermia; Malignant hyperpyrexia; Fulminating hyperpyrexia; Pharmacogenic myopathy. Identifiers: Orphanet 423, MedGen C2930980, MONDO:0007783, OMIM 145600.
RYR1-related disorder. Also called: RYR1-related condition; RYR1-related disorders. Identifiers: MedGen CN239331.
Inborn genetic diseases. Identifiers: MedGen C0950123, MeSH D030342.
Malignant hyperthermia of anesthesia. Also called: Anesthesic-triggered malignant hyperthermia. Identifiers: Orphanet 423, MedGen C0024591, MONDO:0018493, HP:0034733.

Allele frequency attached by ClinVar (database versions not stated): ExAC below 0.00001; gnomAD 0.00001.
gnomAD v4.1: 7 of 1,568,190 alleles (0.00045%); highest among the groups gnomAD compares: Non-Finnish European, 0.00043%; no homozygotes.

Submissions (5):

Ambry Genetics
Classification: Uncertain significance for Inborn genetic diseases. Last evaluated: 2026-07-07. Review status: criteria provided, single submitter. Criteria: Ambry Variant Classification Scheme 2023. Collection method: clinical testing. Allele origin: germline.
Comment: The p.R1336S variant (also known as c.4006C>A), located in coding exon 28 of the RYR1 gene, results from a C to A substitution at nucleotide position 4006. The arginine at codon 1336 is replaced by serine, an amino acid with dissimilar properties. This amino acid position is conserved. In addition, the in silico prediction for this alteration is inconclusive. Based on the available evidence, the clinical significance of this variant remains unclear.

Color Diagnostics, LLC DBA Color Health
Classification: Uncertain significance for Malignant hyperthermia, susceptibility to, 1. Last evaluated: 2025-06-24. Review status: criteria provided, single submitter. Criteria: ACMG Guidelines, 2015. Collection method: clinical testing. Allele origin: germline.
Comment: This missense variant replaces arginine with serine at codon 1336 of the RYR1 protein. Computational prediction is inconclusive regarding the impact of this variant on protein structure and function. To our knowledge, functional studies have not been reported for this variant. This variant has not been reported in individuals affected with RYR1-related disorders in the literature. This variant has not been identified in the general population by the Genome Aggregation Database (gnomAD). The available evidence is insufficient to determine the role of this variant in disease conclusively. Therefore, this variant is classified as a Variant of Uncertain Significance.

Labcorp Genetics (formerly Invitae), Labcorp
Classification: Uncertain significance for RYR1-related disorder. Last evaluated: 2024-02-06. Review status: criteria provided, single submitter. Criteria: Invitae Variant Classification Sherloc (09022015). Collection method: clinical testing. Allele origin: germline.
Comment: This sequence change replaces arginine, which is basic and polar, with serine, which is neutral and polar, at codon 1336 of the RYR1 protein (p.Arg1336Ser). This variant is not present in population databases (gnomAD no frequency). This variant has not been reported in the literature in individuals affected with RYR1-related conditions. ClinVar contains an entry for this variant (Variation ID: 496649). Advanced modeling of protein sequence and biophysical properties (such as structural, functional, and spatial information, amino acid conservation, physicochemical variation, residue mobility, and thermodynamic stability) has been performed at Invitae for this missense variant, however the output from this modeling did not meet the statistical confidence thresholds required to predict the impact of this variant on RYR1 protein function. In summary, the available evidence is currently insufficient to determine the role of this variant in disease. Therefore, it has been classified as a Variant of Uncertain Significance.

Revvity Omics, Revvity
Classification: Uncertain significance. Last evaluated: 2019-05-07. Review status: criteria provided, single submitter. Criteria: ACMG Guidelines, 2015. Collection method: clinical testing. Allele origin: germline.

CSER _CC_NCGL, University of Washington
Classification: Uncertain significance for Malignant hyperthermia. Last evaluated: 2016-10-01. Review status: criteria provided, single submitter. Criteria: Amendola et al. (Genome Res. 2015). Collection method: research. Allele origin: germline. Affected: no. Study: CSER - NEXT Medicine variant annotation.
Comment: This interpretation considers GERP score and allele frequency data, in addition to published reports of the variant in the literature, available at the time of review.

NM_000540.3(RYR1):c.4006C>A (p.Arg1336Ser)

Gene: RYR1 (ryanodine receptor 1; plus strand). Cytogenetic location: 19q13.2.
Variant type: single nucleotide variant.
Coding change: c.4006C>A on transcript NM_000540.3 (MANE Select); coding-DNA position 4006, C replaced by A.
Protein change: p.Arg1336Ser; replaces arginine 1336 with serine.
Molecular consequence: missense variant.
Genome position (GRCh38, 1-based): chr19:38,473,617, C>A. VCF-style: chr19-38473617-C-A. GRCh37 (hg19) VCF-style: chr19-38964257-C-A.
Other names: c.4006C>A, p.Arg1336Ser (NM_001042723.2); short protein forms R1336S.
Identifiers: ClinVar variation 496649 (VCV000496649.12), dbSNP rs755911690, ClinGen allele CA065476.